The following is an entry in ClinVar:

ClinVar aggregate classification (germline): Uncertain significance (1 of 4 stars; one submission).

Conditions:
Cardiovascular phenotype. Identifiers: MedGen CN230736.

gnomAD v4.1: 12 of 1,609,194 alleles (0.00075%); highest among the groups gnomAD compares: South Asian, 0.0011%; no homozygotes.

Submission:

Ambry Genetics
Classification: Uncertain significance for Cardiovascular phenotype. Last evaluated: 2025-01-19. Review status: criteria provided, single submitter. Criteria: Ambry Variant Classification Scheme 2023. Collection method: clinical testing. Allele origin: germline.
Comment: The p.R1113H variant (also known as c.3338G>A), located in coding exon 7 of the TNXB gene, results from a G to A substitution at nucleotide position 3338. The arginine at codon 1113 is replaced by histidine, an amino acid with highly similar properties. This amino acid position is conserved. In addition, this alteration is predicted to be tolerated by in silico analysis. Based on the available evidence, the clinical significance of this variant remains unclear.

NM_001365276.2(TNXB):c.3338G>A (p.Arg1113His)

Gene: TNXB (tenascin XB; minus strand). Cytogenetic location: 6p21.33.
Variant type: single nucleotide variant.
Coding change: c.3338G>A on transcript NM_001365276.2 (MANE Select); coding-DNA position 3338, G replaced by A.
Protein change: p.Arg1113His; replaces arginine 1113 with histidine.
Molecular consequence: missense variant.
Genome position (GRCh38, 1-based): chr6:32,084,520, C>T on the plus strand (G>A on the coding strand, the complement: TNXB is on the minus strand). VCF-style: chr6-32084520-C-T. GRCh37 (hg19) VCF-style: chr6-32052297-C-T.
Other names: c.4079G>A, p.Arg1360His (NM_001428335.1); c.3338G>A, p.Arg1113His (NM_019105.8); short protein forms R1360H, R1113H.
Identifiers: ClinVar variation 3809294 (VCV003809294.1).